The following is an entry in ClinVar:

NM_000257.4(MYH7):c.1264T>G (p.Tyr422Asp)

Gene: MYH7 (myosin heavy chain 7; minus strand). Cytogenetic location: 14q11.2.
Variant type: single nucleotide variant.
Coding change: c.1264T>G on transcript NM_000257.4 (MANE Select); coding-DNA position 1264, T replaced by G.
Protein change: p.Tyr422Asp; replaces tyrosine 422 with aspartic acid.
Molecular consequence: missense variant.
Genome position (GRCh38, 1-based): chr14:23,429,098, A>C on the plus strand (T>G on the coding strand, the complement: MYH7 is on the minus strand). VCF-style: chr14-23429098-A-C. GRCh37 (hg19) VCF-style: chr14-23898307-A-C.
Other names: short protein forms Y422D.
Identifiers: ClinVar variation 2848784 (VCV002848784.3), dbSNP rs730880926, ClinGen allele CA010442.

ClinVar aggregate classification (germline): Likely pathogenic (1 of 4 stars; one submission).

Conditions:
Hypertrophic cardiomyopathy. Also called: HYPERTROPHIC MYOCARDIOPATHY. Identifiers: Orphanet 217569, MedGen C0007194, MeSH D002312, MONDO:0005045, HP:0001639.

Submission:

Labcorp Genetics (formerly Invitae), Labcorp
Classification: Likely pathogenic for Hypertrophic cardiomyopathy. Last evaluated: 2024-05-15. Review status: criteria provided, single submitter. Criteria: Invitae Variant Classification Sherloc (09022015). Collection method: clinical testing. Allele origin: germline.
Comment: This sequence change replaces tyrosine, which is neutral and polar, with aspartic acid, which is acidic and polar, at codon 422 of the MYH7 protein (p.Tyr422Asp). This variant is not present in population databases (gnomAD no frequency). This missense change has been observed in individuals with hypertrophic cardiomyopathy (Invitae). Advanced modeling of protein sequence and biophysical properties (such as structural, functional, and spatial information, amino acid conservation, physicochemical variation, residue mobility, and thermodynamic stability) performed at Invitae indicates that this missense variant is expected to disrupt MYH7 protein function with a positive predictive value of 95%. In summary, the currently available evidence indicates that the variant is pathogenic, but additional data are needed to prove that conclusively. Therefore, this variant has been classified as Likely Pathogenic.